The following is an entry in ClinVar:

NM_021815.5(SLC5A7):c.1673C>G (p.Thr558Ser)

Gene: SLC5A7 (solute carrier family 5 member 7; plus strand). Cytogenetic location: 2q12.3.
Variant type: single nucleotide variant.
Coding change: c.1673C>G on transcript NM_021815.5 (MANE Select); coding-DNA position 1673, C replaced by G.
Protein change: p.Thr558Ser; replaces threonine 558 with serine.
Molecular consequence: missense variant.
Genome position (GRCh38, 1-based): chr2:108,010,791, C>G. VCF-style: chr2-108010791-C-G. GRCh37 (hg19) VCF-style: chr2-108627247-C-G.
Other names: c.1673C>G (NM_021815.4); c.1673C>G, p.Thr558Ser (NM_001305005.3); c.1358C>G, p.Thr453Ser (NM_001305006.3); c.932C>G, p.Thr311Ser (NM_001305007.3); short protein forms T558S, T311S, T453S.
Identifiers: ClinVar variation 450240 (VCV000450240.9), dbSNP rs747026995, ClinGen allele CA348115102.

ClinVar aggregate classification (germline): Uncertain significance. Review status: criteria provided, multiple submitters, no conflicts (2 of 4 stars). 3 submissions from 3 submitters: Uncertain significance (3). Last evaluated 2026-02-20.

Conditions:
SLC5A7-related disorder. Also called: SLC5A7-related condition.
Neuronopathy, distal hereditary motor, type 7A. Also called: HARPER-YOUNG MYOPATHY; Neuronopathy, distal hereditary motor, type viia; HMN VIIA; SPINAL MUSCULAR ATROPHY, DISTAL, WITH VOCAL CORD PARALYSIS; NEURONOPATHY, DISTAL HEREDITARY MOTOR, HARDING TYPE VIIA; NEUROPATHY, DISTAL HEREDITARY MOTOR, HARDING TYPE VIIA. Identifiers: Orphanet 139589, MedGen C1834703, MONDO:0008024, OMIM 158580.
Congenital myasthenic syndrome 20. Also called: Myasthenic syndrome, congenital, 20, presynaptic. Identifiers: MedGen C4310694, MONDO:0014939, OMIM 617143.

Allele frequency attached by ClinVar (database versions not stated): TOPMed below 0.00001.
gnomAD v4.1: 5 of 1,613,122 alleles (0.00031%); highest among the groups gnomAD compares: Non-Finnish European, 0.00042%; no homozygotes.

Submissions (3):

PreventionGenetics, part of Exact Sciences
Classification: Uncertain significance for SLC5A7-related condition. Last evaluated: 2026-02-20. Review status: criteria provided, single submitter. Criteria: ACMG Guidelines, 2015. Collection method: clinical testing. Allele origin: germline.
Comment: The SLC5A7 c.1673C>G variant is predicted to result in the amino acid substitution p.Thr558Ser. To our knowledge, this variant has not been reported in the literature or in a large population database (gnomAD), indicating this variant is rare. At this time, the clinical significance of this variant is uncertain due to the absence of conclusive functional and genetic evidence.

Labcorp Genetics (formerly Invitae), Labcorp
Classification: Uncertain significance for Neuronopathy, distal hereditary motor, type 7A; Congenital myasthenic syndrome 20. Last evaluated: 2024-05-29. Review status: criteria provided, single submitter. Criteria: Invitae Variant Classification Sherloc (09022015). Collection method: clinical testing. Allele origin: germline.
Comment: This sequence change replaces threonine, which is neutral and polar, with serine, which is neutral and polar, at codon 558 of the SLC5A7 protein (p.Thr558Ser). This variant is not present in population databases (gnomAD no frequency). This variant has not been reported in the literature in individuals affected with SLC5A7-related conditions. ClinVar contains an entry for this variant (Variation ID: 450240). An algorithm developed to predict the effect of missense changes on protein structure and function (PolyPhen-2) suggests that this variant is likely to be tolerated. In summary, the available evidence is currently insufficient to determine the role of this variant in disease. Therefore, it has been classified as a Variant of Uncertain Significance.

GeneDx
Classification: Uncertain significance. Last evaluated: 2023-08-16. Review status: criteria provided, single submitter. Criteria: GeneDx Variant Classification Process June 2021. Collection method: clinical testing. Allele origin: germline. Affected: yes.
Comment: Has not been previously published as pathogenic or benign to our knowledge; Not observed at significant frequency in large population cohorts (gnomAD); In silico analysis supports that this missense variant does not alter protein structure/function